The following is an entry in ClinVar:

NM_020812.4(DOCK6):c.113G>C (p.Arg38Pro)

Gene: DOCK6 (dedicator of cytokinesis 6; minus strand). Cytogenetic location: 19p13.2.
Variant type: single nucleotide variant.
Coding change: c.113G>C on transcript NM_020812.4 (MANE Select); coding-DNA position 113, G replaced by C.
Protein change: p.Arg38Pro; replaces arginine 38 with proline.
Molecular consequence: missense variant.
Genome position (GRCh38, 1-based): chr19:11,253,658, C>G on the plus strand (G>C on the coding strand, the complement: DOCK6 is on the minus strand). VCF-style: chr19-11253658-C-G. GRCh37 (hg19) VCF-style: chr19-11364334-C-G.
Other names: c.113G>C, p.Arg38Pro (NM_001367830.1); short protein forms R38P.
Identifiers: ClinVar variation 1946019 (VCV001946019.6), dbSNP rs764829646, ClinGen allele CA9208632.
Genomic context (GRCh38, chr19:11,253,658, plus strand): 5'-GAGAGGGCAGAGGGCTGGGGGCGGACCCCCCAAATACTTACCCCCAGGGAGCTGCTGCAG[C>G]GCCTGCTGGAGTGGGGGGAGCCACTGCGTTCCCGGGACACCTGCTTCCGCACCTCTGCGG-3'
Protein context (NP_065863.2, residues 28-48): ERSGSPHSSR[Arg38Pro]CSSSLGVPLT

ClinVar aggregate classification (germline): Uncertain significance. Review status: criteria provided, multiple submitters, no conflicts (2 of 4 stars). 2 submissions from 2 submitters: Uncertain significance (2). Last evaluated 2024-09-05.

Conditions:
Inborn genetic diseases. Identifiers: MedGen C0950123, MeSH D030342.

gnomAD v4.1: 12 of 1,451,946 alleles (0.00083%); highest among the groups gnomAD compares: South Asian, 0.016%; no homozygotes.

Submissions (2):

Labcorp Genetics (formerly Invitae), Labcorp
Classification: Uncertain significance. Last evaluated: 2024-09-05. Review status: criteria provided, single submitter. Criteria: Invitae Variant Classification Sherloc (09022015). Collection method: clinical testing. Allele origin: germline.
Comment: This sequence change replaces arginine, which is basic and polar, with proline, which is neutral and non-polar, at codon 38 of the DOCK6 protein (p.Arg38Pro). This variant is present in population databases (rs764829646, gnomAD 0.03%). This variant has not been reported in the literature in individuals affected with DOCK6-related conditions. ClinVar contains an entry for this variant (Variation ID: 1946019). An algorithm developed to predict the effect of missense changes on protein structure and function (PolyPhen-2) suggests that this variant is likely to be tolerated. In summary, the available evidence is currently insufficient to determine the role of this variant in disease. Therefore, it has been classified as a Variant of Uncertain Significance.

Ambry Genetics
Classification: Uncertain significance for Inborn genetic diseases. Last evaluated: 2021-07-08. Review status: criteria provided, single submitter. Criteria: Ambry Variant Classification Scheme 2023. Collection method: clinical testing. Allele origin: germline.